The following is an entry in ClinVar:

NM_001348716.2(KDM6B):c.965C>T (p.Ala322Val)

Gene: KDM6B (lysine demethylase 6B; plus strand). Cytogenetic location: 17p13.1.
Variant type: single nucleotide variant.
Coding change: c.965C>T on transcript NM_001348716.2 (MANE Select); coding-DNA position 965, C replaced by T.
Protein change: p.Ala322Val; replaces alanine 322 with valine.
Molecular consequence: missense variant.
Genome position (GRCh38, 1-based): chr17:7,847,160, C>T. VCF-style: chr17-7847160-C-T. GRCh37 (hg19) VCF-style: chr17-7750478-C-T.
Other names: c.965C>T, p.Ala322Val (NM_001080424.2); short protein forms A322V.
Identifiers: ClinVar variation 2591756 (VCV002591756.12), dbSNP rs370058561, ClinGen allele CA8360464.

ClinVar aggregate classification (germline): Likely benign. Review status: criteria provided, multiple submitters, no conflicts (2 of 4 stars). 2 submissions from 2 submitters: Likely benign (2). Last evaluated 2025-05-01.

Conditions:
Inborn genetic diseases. Identifiers: MedGen C0950123, MeSH D030342.

Allele frequency attached by ClinVar (database versions not stated): gnomAD 0.00006; TOPMed 0.00006; ESP Exome Variant Server 0.00008.
gnomAD v4.1: 236 of 1,607,186 alleles (0.015%); highest among the groups gnomAD compares: Non-Finnish European, 0.019%; no homozygotes.

Submissions (2):

CeGaT Center for Human Genetics Tuebingen
Classification: Likely benign. Last evaluated: 2025-05-01. Review status: criteria provided, single submitter. Criteria: CeGaT Center For Human Genetics Tuebingen Variant Classification Criteria Version 2. Collection method: clinical testing. Allele origin: germline. Affected: yes. Observed: 1 variant allele.
Comment: KDM6B: BP4

Ambry Genetics
Classification: Likely benign for Inborn genetic diseases. Last evaluated: 2023-06-21. Review status: criteria provided, single submitter. Criteria: Ambry Variant Classification Scheme 2023. Collection method: clinical testing. Allele origin: germline.